The following is an entry in ClinVar:

ClinVar aggregate classification (germline): Likely pathogenic (1 of 4 stars; one submission).

Conditions:
Inborn genetic diseases. Identifiers: MedGen C0950123, MeSH D030342.

Submission:

Ambry Genetics
Classification: Likely pathogenic for Inborn genetic diseases. Last evaluated: 2024-02-23. Review status: criteria provided, single submitter. Criteria: Ambry Variant Classification Scheme 2023. Collection method: clinical testing. Allele origin: germline.
Comment: The c.44A>G (p.E15G) alteration is located in exon 1 (coding exon 1) of the CTR9 gene. This alteration results from an A to G substitution at nucleotide position 44, causing the glutamic acid (E) at amino acid position 15 to be replaced by a glycine (G). This variant was not reported in population-based cohorts in the Genome Aggregation Database (gnomAD). Two other alterations at the same codon, c.43G>A (p.E15K) and c.45G>C (p.E15D), have been determined to be the result of a de novo mutation in individuals with features consistent with CTR9-related neurodevelopmental disorder (Meuwissen, 2022; Suzuki, 2022). This amino acid position is highly conserved in available vertebrate species. This missense alteration is located in a region that has a low rate of benign missense variation (Lek, 2016; Firth, 2009). This alteration is predicted to be deleterious by in silico analysis. Based on the available evidence, this alteration is classified as likely pathogenic.

Literature cited by the submitters: PubMed 35499524; PubMed 35717577.

NM_014633.5(CTR9):c.44A>G (p.Glu15Gly)

Gene: CTR9 (CTR9 homolog, Paf1/RNA polymerase II complex component; plus strand). Cytogenetic location: 11p15.4.
Variant type: single nucleotide variant.
Coding change: c.44A>G on transcript NM_014633.5 (MANE Select); coding-DNA position 44, A replaced by G.
Protein change: p.Glu15Gly; replaces glutamic acid 15 with glycine.
Molecular consequence: missense variant.
Genome position (GRCh38, 1-based): chr11:10,751,456, A>G. VCF-style: chr11-10751456-A-G. GRCh37 (hg19) VCF-style: chr11-10773003-A-G.
Other names: c.44A>G, p.Glu15Gly (NM_001346279.2); short protein forms E15G.
Identifiers: ClinVar variation 3078716 (VCV003078716.1), dbSNP rs2539365192, ClinGen allele CA379674831.